The following is an entry in ClinVar:

ClinVar aggregate classification (germline): Uncertain significance. Review status: criteria provided, multiple submitters, no conflicts (2 of 4 stars). 3 submissions from 3 submitters: Uncertain significance (2). 1 of the submissions does not count toward it. Last evaluated 2026-09-24.

Conditions:
Nephronophthisis. Also called: Juvenile Nephronophthisis. Identifiers: Orphanet 655, MedGen C0687120, MONDO:0019005, HP:0000090.
Meckel-Gruber syndrome. Also called: GRUBER SYNDROME; Dysencephalia splachnocystica; DYSENCEPHALIA SPLANCHNOCYSTICA. Identifiers: Orphanet 564, MedGen C0265215, MONDO:0018921.
Joubert syndrome. Also called: Familial aplasia of the vermis; JOUBERT-BOLTSHAUSER SYNDROME. Identifiers: Orphanet 475, MedGen C5979921, MONDO:0018772.
CEP290-related disorder. Also called: CEP290-related condition; CEP290-related disorders. Identifiers: MedGen CN239314.
Leber congenital amaurosis (LCA). Also called: Leber's amaurosis. Identifiers: Orphanet 65, MedGen C0339527, MeSH D057130, MONDO:0018998.

Allele frequency attached by ClinVar (database versions not stated): gnomAD exomes below 0.00001; ExAC 0.00002; TOPMed 0.00002; gnomAD 0.00003 and 0.00004; ESP Exome Variant Server 0.00008; 1000 Genomes Project 0.00040; 1000 Genomes Project 30x 0.00047.
gnomAD v4.1: 11 of 1,604,232 alleles (0.00069%); highest among the groups gnomAD compares: African/African-American, 0.015%; no homozygotes.

Submissions (3):

PreventionGenetics, part of Exact Sciences
Classification: Uncertain significance for CEP290-related condition. Last evaluated: 2026-09-24. Review status: criteria provided, single submitter. Criteria: ACMG Guidelines, 2015. Collection method: clinical testing. Allele origin: germline.
Comment: The CEP290 c.534G>T variant is predicted to result in the amino acid substitution p.Gln178His. To our knowledge, this variant has not been reported in the literature. This variant is reported in 0.0066% of alleles in individuals of African descent in gnomAD. At this time, the clinical significance of this variant is uncertain due to the absence of conclusive functional and genetic evidence.

Labcorp Genetics (formerly Invitae), Labcorp
Classification: Uncertain significance for Joubert syndrome; Meckel-Gruber syndrome; Nephronophthisis. Last evaluated: 2022-10-04. Review status: criteria provided, single submitter. Criteria: Invitae Variant Classification Sherloc (09022015). Collection method: clinical testing. Allele origin: germline.
Comment: This sequence change replaces glutamine, which is neutral and polar, with histidine, which is basic and polar, at codon 178 of the CEP290 protein (p.Gln178His). This variant is present in population databases (rs368025801, gnomAD 0.007%). This variant has not been reported in the literature in individuals affected with CEP290-related conditions. ClinVar contains an entry for this variant (Variation ID: 959076). Advanced modeling of protein sequence and biophysical properties (such as structural, functional, and spatial information, amino acid conservation, physicochemical variation, residue mobility, and thermodynamic stability) has been performed at Invitae for this missense variant, however the output from this modeling did not meet the statistical confidence thresholds required to predict the impact of this variant on CEP290 protein function. In summary, the available evidence is currently insufficient to determine the role of this variant in disease. Therefore, it has been classified as a Variant of Uncertain Significance.

Natera, Inc.
Classification: Uncertain significance for Leber congenital amaurosis. Last evaluated: 2020-07-02. Review status: no assertion criteria provided. Collection method: clinical testing. Allele origin: germline. Not counted in ClinVar's aggregate classification.

NM_025114.4(CEP290):c.534G>T (p.Gln178His)

Gene: CEP290 (centrosomal protein 290; minus strand). Cytogenetic location: 12q21.32.
Variant type: single nucleotide variant.
Coding change: c.534G>T on transcript NM_025114.4 (MANE Select); coding-DNA position 534, G replaced by T.
Protein change: p.Gln178His; replaces glutamine 178 with histidine.
Molecular consequence: missense variant.
Genome position (GRCh38, 1-based): chr12:88,130,403, C>A on the plus strand (G>T on the coding strand, the complement: CEP290 is on the minus strand). VCF-style: chr12-88130403-C-A. GRCh37 (hg19) VCF-style: chr12-88524180-C-A.
Other names: short protein forms Q178H.
Identifiers: ClinVar variation 959076 (VCV000959076.8), dbSNP rs368025801, ClinGen allele CA6712742.